The following is an entry in ClinVar:

ClinVar aggregate classification (germline): Pathogenic/Likely pathogenic. Review status: criteria provided, multiple submitters, no conflicts (2 of 4 stars). 8 submissions from 8 submitters: Pathogenic (3); Likely pathogenic (4). 1 of the submissions does not count toward it. Last evaluated 2026-01-18.

Conditions:
Methylcrotonyl-CoA carboxylase deficiency. Also called: 3 Methylcrotonylglycinuria; Deficiency of methylcrotonoyl-CoA carboxylase; 3-MCC Deficiency. Identifiers: Orphanet 6, MedGen C4551505, MONDO:0018950.
3-methylcrotonyl-CoA carboxylase 1 deficiency (MCC1D). Also called: MCC 1 deficiency; 3 Alpha methylcrotonylglycinuria 1; MCCD TYPE 1; METHYLCROTONYLGLYCINURIA TYPE I. Identifiers: Orphanet 6, MedGen CN028786, MONDO:0008861, OMIM 210200.

Allele frequency attached by ClinVar (database versions not stated): gnomAD exomes 0.00002 and 0.00003; gnomAD 0.00003 and 0.00004; TOPMed 0.00003; ExAC 0.00004.
gnomAD v4.1: 33 of 1,614,050 alleles (0.002%); highest among the groups gnomAD compares: East Asian, 0.013%; no homozygotes.

Submissions (8):

Labcorp Genetics (formerly Invitae), Labcorp
Classification: Pathogenic for 3-methylcrotonyl-CoA carboxylase 1 deficiency. Last evaluated: 2026-01-18. Review status: criteria provided, single submitter. Criteria: Invitae Variant Classification Sherloc (09022015). Collection method: clinical testing. Allele origin: germline.
Comment: This sequence change replaces arginine, which is basic and polar, with histidine, which is basic and polar, at codon 444 of the MCCC1 protein (p.Arg444His). This variant is present in population databases (rs768785753, gnomAD 0.04%). This missense change has been observed in individual(s) with MCCC1-related conditions (PMID: 25382614, 26566957). In at least one individual the data is consistent with being in trans (on the opposite chromosome) from a pathogenic variant. ClinVar contains an entry for this variant (Variation ID: 203796). Invitae Evidence Modeling of protein sequence and biophysical properties (such as structural, functional, and spatial information, amino acid conservation, physicochemical variation, residue mobility, and thermodynamic stability) indicates that this missense variant is expected to disrupt MCCC1 protein function with a positive predictive value of 95%. For these reasons, this variant has been classified as Pathogenic.

Natera, Inc.
Classification: Pathogenic for 3-methylcrotonyl-CoA carboxylase 1 deficiency. Last evaluated: 2025-09-29. Review status: criteria provided, single submitter. Criteria: Natera Variant Classification Schema (03/2026). Collection method: clinical testing. Allele origin: germline.
Comment: The c.1331G>A variant in MCCC1 is a missense variant predicted to cause substitution of arginine to histidine at amino acid 444. This variant is rare in the general population with a frequency below the threshold expected for the associated phenotype(s). This variant has been observed in one or more individuals affected with the associated recessive disease, as either homozygous or compound heterozygous with a second variant (PMID: 30904546, 36822454, 39188588). Computational prediction algorithms indicate this variant is likely to affect gene or protein function. Given the available evidence, this variant is classified as Pathogenic.

Mayo Clinic Laboratories, Mayo Clinic
Classification: Pathogenic. Last evaluated: 2024-05-28. Review status: criteria provided, single submitter. Criteria: ACMG Guidelines, 2015. Collection method: clinical testing. Allele origin: germline.
Comment: PP3, PP4, PM2_moderate, PM3_strong, PS4_moderate

Fulgent Genetics
Classification: Likely pathogenic for 3-methylcrotonyl-CoA carboxylase 1 deficiency. Last evaluated: 2024-04-07. Review status: criteria provided, single submitter. Criteria: ACMG Guidelines, 2015. Collection method: clinical testing. Allele origin: germline.

Baylor Genetics
Classification: Likely pathogenic for 3-methylcrotonyl-CoA carboxylase 1 deficiency. Last evaluated: 2024-03-26. Review status: criteria provided, single submitter. Criteria: ACMG Guidelines, 2015. Collection method: clinical testing. Allele origin: unknown.

Women's Health and Genetics/Laboratory Corporation of America, LabCorp
Classification: Likely pathogenic for Methylcrotonyl-CoA carboxylase deficiency. Last evaluated: 2023-08-03. Review status: criteria provided, single submitter. Criteria: LabCorp Variant Classification Summary - May 2015. Collection method: clinical testing. Allele origin: germline.
Comment: Variant summary: MCCC1 c.1331G>A (p.Arg444His) results in a non-conservative amino acid change located in the Biotin carboxylase, C-terminal domain (IPR005482) of the encoded protein sequence. Five of five in-silico tools predict a damaging effect of the variant on protein function. The variant allele was found at a frequency of 2.8e-05 in 251422 control chromosomes. c.1331G>A has been reported in the literature in both homozygous and compound heterozygous individuals affected with Methylcrotonyl-CoA Carboxylase Deficiency (e.g. Yang_2015, Rips_2016, Lin_2019, Navarrete_2019, Martin-Rivada_2022, Zhou_2022). These data indicate that the variant is likely to be associated with disease. To our knowledge, no experimental evidence demonstrating an impact on protein function has been reported. The following publications have been ascertained in the context of this evaluation (PMID: 30904546, 35281663, 30626930, 26566957, 25382614, 35664874). Two submitters have cited clinical-significance assessments for this variant to ClinVar after 2014. One submitter classified the variant as pathogenic, and one submitter classified the variant as uncertain significance. Based on the evidence outlined above, the variant was classified as likely pathogenic.

Juno Genomics, Hangzhou Juno Genomics, Inc
Classification: Likely pathogenic for 3-methylcrotonyl-CoA carboxylase 1 deficiency. Review status: criteria provided, single submitter. Criteria: ACMG Guidelines, 2015. Collection method: clinical testing. Allele origin: germline. Affected: yes.
Comment: Absent from controls (or at extremely low frequency if recessive) in Genome Aggregation Database, Exome Sequencing Project, 1000 Genomes Project, or Exome Aggregation Consortium.;Multiple lines of computational evidence support a deleterious effect on the gene or gene product (conservation, evolutionary, splicing impact, etc).;For recessive disorders, detected in trans with a pathogenic variant.;Patient's phenotype or family history is highly specific for a disease with a single genetic etiology.

Neonatal Disease Screening Center, Medical Genetics Center, Huaihua City Maternal and Child Health Care Hospital
Classification: Uncertain significance for 3-methylcrotonyl-CoA carboxylase 1 deficiency. Review status: no assertion criteria provided. Criteria: ACMG Guidelines, 2015. Collection method: clinical testing. Allele origin: germline. Affected: yes. Observed: 1 variant allele. Not counted in ClinVar's aggregate classification.
Comment: PM3_S+PP3

Literature cited by the submitters: PubMed 25382614 (cited by 3 submitters); PubMed 26566957 (cited by 3 submitters); PubMed 30904546 (cited by 3 submitters); PubMed 36822454 (cited by Natera, Inc. and Mayo Clinic Laboratories, Mayo Clinic); PubMed 39188588 (cited by Natera, Inc.); PubMed 25190158 (cited by Mayo Clinic Laboratories, Mayo Clinic); PubMed 31901042 (cited by Mayo Clinic Laboratories, Mayo Clinic); PubMed 35281663 (cited by Mayo Clinic Laboratories, Mayo Clinic and Women's Health and Genetics/Laboratory Corporation of America, LabCorp); PubMed 35664874 (cited by Mayo Clinic Laboratories, Mayo Clinic and Women's Health and Genetics/Laboratory Corporation of America, LabCorp); PubMed 36787440 (cited by Mayo Clinic Laboratories, Mayo Clinic); PubMed 38784038 (cited by Mayo Clinic Laboratories, Mayo Clinic); PubMed 30626930 (cited by Women's Health and Genetics/Laboratory Corporation of America, LabCorp).

NM_020166.5(MCCC1):c.1331G>A (p.Arg444His)

Gene: MCCC1 (methylcrotonyl-CoA carboxylase subunit 1; minus strand). Cytogenetic location: 3q27.1.
Variant type: single nucleotide variant.
Coding change: c.1331G>A on transcript NM_020166.5 (MANE Select); coding-DNA position 1331, G replaced by A.
Protein change: p.Arg444His; replaces arginine 444 with histidine.
Molecular consequence: missense variant. On other transcripts: non-coding transcript variant (2).
Genome position (GRCh38, 1-based): chr3:183,039,072, C>T on the plus strand (G>A on the coding strand, the complement: MCCC1 is on the minus strand). VCF-style: chr3-183039072-C-T. GRCh37 (hg19) VCF-style: chr3-182756860-C-T.
Other names: c.980G>A, p.Arg327His (NM_001293273.2); c.1004G>A, p.Arg335His (NM_001363880.1); short protein forms R444H, R327H, R335H.
Identifiers: ClinVar variation 203796 (VCV000203796.19), dbSNP rs768785753, ClinGen allele CA312677.
Genomic context (GRCh38, chr3:183,039,072, plus strand): 5'-CTCAGATCACTCACATTGTACTGACGAAGGCTGTACCTCAGTTTTGTCAATGCCGCCTGG[C>T]GATCTGCTGCCCACACGACCAGCTTCGCAATCATGGGGTCATAATGCACGGAAACTTCGT-3'
Protein context (NP_064551.3, residues 434-454): IAKLVVWAAD[Arg444His]QAALTKLRYS